The following is an entry in ClinVar:

ClinVar aggregate classification (germline): Uncertain significance (1 of 4 stars; one submission).

gnomAD v4.1: 1 of 1,551,362 alleles (0.000064%); highest among the groups gnomAD compares: Non-Finnish European, 0.000087%; no homozygotes.

Submission:

Women's Health and Genetics/Laboratory Corporation of America, LabCorp
Classification: Uncertain significance. Last evaluated: 2025-06-03. Review status: criteria provided, single submitter. Criteria: LabCorp Variant Classification Summary - May 2015. Collection method: clinical testing. Allele origin: germline.
Comment: Variant summary: FANCA c.3967G>C (p.Ala1323Pro) results in a non-conservative amino acid change in the encoded protein sequence. Algorithms developed to predict the effect of missense changes on protein structure and function all suggest that this variant is likely to be disruptive. The frequency data for this variant in gnomAD is considered unreliable, as metrics indicate poor data quality at this position. c.3967G>C has been observed in at least one compound heterozygous individual affected with Fanconi Anemia (e.g. Pagliara_2023). These data do not allow any conclusion about variant significance. To our knowledge, no experimental evidence demonstrating an impact on protein function has been reported. No submitters have cited clinical-significance assessments for this variant to ClinVar. The following publication has been ascertained in the context of this evaluation (PMID: 37865086). Based on the evidence outlined above, the variant was classified as uncertain significance.

Literature cited by the submitters: PubMed 37865086.

NM_000135.4(FANCA):c.3967G>C (p.Ala1323Pro)

Genes: FANCA (FA complementation group A; minus strand), ZNF276 (zinc finger protein 276; plus strand). Cytogenetic location: 16q24.3.
Variant type: single nucleotide variant.
Coding change: c.3967G>C on transcript NM_000135.4 (MANE Select); coding-DNA position 3967, G replaced by C.
Protein change: p.Ala1323Pro; replaces alanine 1323 with proline.
Molecular consequence: missense variant. On other transcripts: 3 prime UTR variant (2), non-coding transcript variant (4).
Genome position (GRCh38, 1-based): chr16:89,739,521, C>G on the plus strand (G>C on the coding strand, the complement: FANCA is on the minus strand). VCF-style: chr16-89739521-C-G. GRCh37 (hg19) VCF-style: chr16-89805929-C-G.
Other names: c.3967G>C, p.Ala1323Pro (NM_001286167.3); c.*1275C>G (NM_001113525.2, NM_152287.4); short protein forms A1323P.
Identifiers: ClinVar variation 3907412 (VCV003907412.1).
Genomic context (GRCh38, chr16:89,739,521, plus strand): 5'-CCTGTGGGTGGAGGTACCTGTAAAAAGCGAAAGGCAGCAGCCTGGTGTGCTGATCCGGGG[C>G]CACACGGAGGAGGAGCCGCCCCAGCCTGAGGTCTGCAACACCAAGAAGTGGCTCAGGCAA-3'
Protein context (NP_000126.2, residues 1313-1333): LRLGRLLLRV[Ala1323Pro]PDQHTRLLPF